The following is an entry in ClinVar:

ClinVar aggregate classification (germline): Uncertain significance (1 of 4 stars; one submission).

Conditions:
STING-associated vasculopathy with onset in infancy. Also called: Sting-associated vasculopathy, infantile-onset. Identifiers: Orphanet 425120, MedGen C4014722, MONDO:0014405, OMIM 615934.

Allele frequency attached by ClinVar (database versions not stated): gnomAD exomes below 0.00001.
gnomAD v4.1: 2 of 1,614,134 alleles (0.00012%); highest among the groups gnomAD compares: Non-Finnish European, 0.00017%; no homozygotes.

Submission:

Labcorp Genetics (formerly Invitae), Labcorp
Classification: Uncertain significance for STING-associated vasculopathy with onset in infancy. Last evaluated: 2018-10-29. Review status: criteria provided, single submitter. Criteria: Invitae Variant Classification Sherloc (09022015). Collection method: clinical testing. Allele origin: germline.
Comment: In summary, the available evidence is currently insufficient to determine the role of this variant in disease. Therefore, it has been classified as a Variant of Uncertain Significance. Algorithms developed to predict the effect of missense changes on protein structure and function are either unavailable or do not agree on the potential impact of this missense change (SIFT: "Deleterious"; PolyPhen-2: "Probably Damaging"; Align-GVGD: "Class C0"). This variant has not been reported in the literature in individuals with TMEM173-related disease. This variant is not present in population databases (ExAC no frequency). This sequence change replaces leucine with proline at codon 201 of the TMEM173 protein (p.Leu201Pro). The leucine residue is highly conserved and there is a moderate physicochemical difference between leucine and proline.

NM_198282.4(STING1):c.602T>C (p.Leu201Pro)

Gene: STING1 (stimulator of interferon response cGAMP interactor 1; minus strand). Cytogenetic location: 5q31.2.
Variant type: single nucleotide variant.
Coding change: c.602T>C on transcript NM_198282.4 (MANE Select); coding-DNA position 602, T replaced by C.
Protein change: p.Leu201Pro; replaces leucine 201 with proline.
Molecular consequence: missense variant.
Genome position (GRCh38, 1-based): chr5:139,478,427, A>G on the plus strand (T>C on the coding strand, the complement: STING1 is on the minus strand). VCF-style: chr5-139478427-A-G. GRCh37 (hg19) VCF-style: chr5-138858012-A-G.
Other names: c.602T>C, p.Leu201Pro (LRG_1308t1, NM_001301738.2); c.245T>C, p.Leu82Pro (NM_001367258.1); short protein forms L201P, L82P.
Identifiers: ClinVar variation 643076 (VCV000643076.9), dbSNP rs1581450494, ClinGen allele CA361480195.